The following is an entry in ClinVar:

NM_000179.3(MSH6):c.1750A>C (p.Thr584Pro)

Gene: MSH6 (mutS homolog 6; plus strand). Cytogenetic location: 2p16.3.
Variant type: single nucleotide variant.
Coding change: c.1750A>C on transcript NM_000179.3 (MANE Select); coding-DNA position 1750, A replaced by C.
Protein change: p.Thr584Pro; replaces threonine 584 with proline.
Molecular consequence: missense variant.
Genome position (GRCh38, 1-based): chr2:47,799,733, A>C. VCF-style: chr2-47799733-A-C. GRCh37 (hg19) VCF-style: chr2-48026872-A-C.
Other names: c.1360A>C, p.Thr454Pro (NM_001281492.2); c.844A>C, p.Thr282Pro (NM_001281493.2, NM_001281494.2); short protein forms T584P, T282P, T454P.
Identifiers: ClinVar variation 433912 (VCV000433912.2), dbSNP rs1553413123, ClinGen allele CA346748942.

ClinVar aggregate classification (germline): Uncertain significance (0 of 4 stars; one submission).

Conditions:
Carcinoma of colon (CRC). Also called: Colon carcinoma; Colonic carcinoma. Identifiers: MedGen C0699790, MONDO:0002032.

Submission:

Department of Pathology and Laboratory Medicine, Sinai Health System
Classification: Uncertain significance for Carcinoma of colon. Review status: no assertion criteria provided. Collection method: clinical testing. Allele origin: unknown. Affected: yes. Observed: 1 variant allele. Study: The Canadian Open Genetics Repository (COGR).
Comment: The MSH6 p.Thr584Pro variant was not identified in the literature nor was it identified in the dbSNP, NHLBI Exome Sequencing Project (Exome Variant Server), Exome Aggregation Consortium (ExAC) database, Clinvitae, COSMIC, â€šÃ„ÃºMismatch Repair Genes Variant Databaseâ€šÃ„Ã¹, â€šÃ„ÃºMMR Gene Unclassified Variants Databaseâ€šÃ„Ã¹, InSiGHT Colon Cancer Gene Variant Database, â€šÃ„ÃºZhejiang Colon Cancer Databaseâ€šÃ„Ã¹, ClinVar, GeneInsight COGR and UMD databases. The p.Thr584 residue is conserved across mammals and other organisms, and computational analyses (PolyPhen-2, SIFT, AlignGVGD, BLOSUM, MutationTaster) suggest that the Pro variant may impact the protein. However, this information is not predictive enough to assume pathogenicity. The variant occurs outside of the splicing consensus sequence and in silico or computational prediction software programs (SpliceSiteFinder, MaxEntScan, NNSPLICE, GeneSplicer, HumanSpliceFinder) do not predict a difference in splicing. In summary, based on the above information, the clinical significance of this variant cannot be determined with certainty at this time. This variant is classified as a variant of uncertain significance.